The following is an entry in ClinVar:

ClinVar aggregate classification (germline): Uncertain significance (1 of 4 stars; one submission).

Conditions:
Hypertrophic cardiomyopathy. Also called: HYPERTROPHIC MYOCARDIOPATHY. Identifiers: Orphanet 217569, MedGen C0007194, MeSH D002312, MONDO:0005045, HP:0001639.

Submission:

Labcorp Genetics (formerly Invitae), Labcorp
Classification: Uncertain significance for Hypertrophic cardiomyopathy. Last evaluated: 2024-03-14. Review status: criteria provided, single submitter. Criteria: Invitae Variant Classification Sherloc (09022015). Collection method: clinical testing. Allele origin: germline.
Comment: This sequence change replaces valine, which is neutral and non-polar, with leucine, which is neutral and non-polar, at codon 169 of the MYL3 protein (p.Val169Leu). This variant is not present in population databases (gnomAD no frequency). This missense change has been observed in individual(s) with clinical features of hypertrophic cardiomyopathy (PMID: 32492895). ClinVar contains an entry for this variant (Variation ID: 2087168). An algorithm developed to predict the effect of missense changes on protein structure and function (PolyPhen-2) suggests that this variant is likely to be disruptive. In summary, the available evidence is currently insufficient to determine the role of this variant in disease. Therefore, it has been classified as a Variant of Uncertain Significance.

Literature cited by the submitters: PubMed 32492895.

NM_000258.3(MYL3):c.505G>C (p.Val169Leu)

Gene: MYL3 (myosin light chain 3; minus strand). Cytogenetic location: 3p21.31.
Variant type: single nucleotide variant.
Coding change: c.505G>C on transcript NM_000258.3 (MANE Select); coding-DNA position 505, G replaced by C.
Protein change: p.Val169Leu; replaces valine 169 with leucine.
Molecular consequence: missense variant.
Genome position (GRCh38, 1-based): chr3:46,858,438, C>G on the plus strand (G>C on the coding strand, the complement: MYL3 is on the minus strand). VCF-style: chr3-46858438-C-G. GRCh37 (hg19) VCF-style: chr3-46899928-C-G.
Other names: c.505G>C, p.Val169Leu (NM_001406937.1, NM_001406938.1, NM_001406939.1); c.331G>C, p.Val111Leu (NM_001406940.1); c.316G>C, p.Val106Leu (NM_001406941.1); short protein forms V111L, V106L, V169L.
Identifiers: ClinVar variation 2087168 (VCV002087168.4), dbSNP rs2544963107, ClinGen allele CA352495541.